The following is an entry in ClinVar:

NM_138694.4(PKHD1):c.2647_2651delinsGGG (p.Tyr883fs)

Gene: PKHD1 (PKHD1 ciliary IPT domain containing fibrocystin/polyductin; minus strand). Cytogenetic location: 6p12.2.
Variant type: Indel.
Coding change: c.2647_2651delinsGGG on transcript NM_138694.4 (MANE Select); coding-DNA positions 2647 to 2651, TATGA replaced by GGG.
Protein change: p.Tyr883fs; shifts the reading frame from tyrosine 883.
Molecular consequence: frameshift variant.
Genome position (GRCh38, 1-based): chr6:52,045,030-52,045,034, TCATA replaced by CCC on the plus strand (TATGA replaced by GGG on the coding strand, the reverse complement: PKHD1 is on the minus strand). VCF-style: chr6-52045030-TCATA-CCC. GRCh37 (hg19) VCF-style: chr6-51909828-TCATA-CCC.
Other names: c.2647_2651delinsGGG, p.Tyr883fs (NM_170724.3); short protein forms Y883fs.
Identifiers: ClinVar variation 4816612 (VCV004816612.1).
Genomic context (GRCh38, chr6:52,045,030, plus strand): 5'-GTATGCTGGTTGGCAGTAGCCAACATGTCTCCAAATATGGGTCCAAGAAAAACTCCACCA[TCATA>CCC]TACCACACGCGTGGCTGCAGCAGGATTCACTCCAGTAAGGTTTTCATCAGAGACCTGAGA-3'

ClinVar aggregate classification (germline): Likely pathogenic (1 of 4 stars; one submission).

Conditions:
Autosomal recessive polycystic kidney disease (ARPKD). Also called: AR polycystic kidney disease. Identifiers: Orphanet 731, Orphanet 8378, MedGen C0085548, MeSH D017044, MONDO:0009889.

Submission:

Natera, Inc.
Classification: Likely pathogenic for Autosomal recessive polycystic kidney disease. Last evaluated: 2025-06-30. Review status: criteria provided, single submitter. Criteria: Natera Variant Classification Schema (03/2026). Collection method: clinical testing. Allele origin: germline.
Comment: The c.2647_2651delinsGGG variant in PKHD1 is a frameshift variant predicted to shift the reading frame beginning at codon 883 and leads to a stop codon 29 codons downstream. This variant is expected to result in nonsense mediated decay, truncation, or a dysfunctional protein product. This variant is rare in the general population with a frequency below the threshold expected for the associated phenotype(s). Given the available evidence, this variant is classified as Likely Pathogenic.